The following is an entry in ClinVar:

ClinVar aggregate classification (germline): Benign/Likely benign. Review status: criteria provided, multiple submitters, no conflicts (2 of 4 stars). 6 submissions from 6 submitters: Benign (1); Likely benign (5). Last evaluated 2025-11-05.

Conditions:
Hereditary cancer-predisposing syndrome. Also called: Hereditary Cancer Syndrome; Tumor predisposition; Hereditary neoplastic syndrome; Neoplastic Syndromes, Hereditary. Identifiers: Orphanet 140162, MedGen C0027672, MeSH D009386, MONDO:0015356.
Familial cancer of breast. Also called: Hereditary breast cancer; hereditary breast carcinoma; BREAST CANCER, FAMILIAL. Identifiers: Orphanet 227535, MedGen C0346153, MONDO:0016419, OMIM 114480. Disease mechanism: loss of function.

Allele frequency attached by ClinVar (database versions not stated): gnomAD exomes below 0.00001 and 0.00001; ExAC 0.00001.
gnomAD v4.1: 3 of 1,614,202 alleles (0.00019%); highest among the groups gnomAD compares: Non-Finnish European, 0.00025%; no homozygotes.

Submissions (6):

Labcorp Genetics (formerly Invitae), Labcorp
Classification: Likely benign for Familial cancer of breast. Last evaluated: 2025-11-05. Review status: criteria provided, single submitter. Criteria: Invitae Variant Classification Sherloc (09022015). Collection method: clinical testing. Allele origin: germline.

Myriad Genetics, Inc.
Classification: Benign for Familial cancer of breast. Last evaluated: 2025-01-16. Review status: criteria provided, single submitter. Criteria: Myriad Autosomal Dominant, Autosomal Recessive and X-Linked Classification Criteria (2023). Collection method: clinical testing. Allele origin: unknown.
Comment: This variant is considered benign. This variant is a silent/synonymous amino acid change and it is not expected to impact splicing.

Blueprint Genetics
Classification: Likely benign. Last evaluated: 2023-06-29. Review status: criteria provided, single submitter. Criteria: ACMG Guidelines, 2015. Collection method: clinical testing. Allele origin: germline.

Color Diagnostics, LLC DBA Color Health
Classification: Likely benign for Hereditary cancer-predisposing syndrome. Last evaluated: 2020-02-03. Review status: criteria provided, single submitter. Criteria: ACMG Guidelines, 2015. Collection method: clinical testing. Allele origin: germline.

GeneDx
Classification: Likely benign. Last evaluated: 2018-03-19. Review status: criteria provided, single submitter. Criteria: GeneDx Variant Classification (06012015). Collection method: clinical testing. Allele origin: germline. Affected: yes.
Comment: This variant is considered likely benign or benign based on one or more of the following criteria: it is a conservative change, it occurs at a poorly conserved position in the protein, it is predicted to be benign by multiple in silico algorithms, and/or has population frequency not consistent with disease.

Ambry Genetics
Classification: Likely benign for Hereditary cancer-predisposing syndrome. Last evaluated: 2015-06-19. Review status: criteria provided, single submitter. Criteria: Ambry Variant Classification Scheme 2023. Collection method: clinical testing. Allele origin: germline.

NM_024675.4(PALB2):c.2427A>C (p.Thr809=)

Gene: PALB2 (partner and localizer of BRCA2; minus strand). Cytogenetic location: 16p12.2.
Variant type: single nucleotide variant.
Coding change: c.2427A>C on transcript NM_024675.4 (MANE Select); coding-DNA position 2427, A replaced by C.
Protein change: p.Thr809=; no amino-acid change (threonine 809 retained).
Molecular consequence: synonymous variant.
Genome position (GRCh38, 1-based): chr16:23,629,727, T>G on the plus strand (A>C on the coding strand, the complement: PALB2 is on the minus strand). VCF-style: chr16-23629727-T-G. GRCh37 (hg19) VCF-style: chr16-23641048-T-G.
Identifiers: ClinVar variation 241544 (VCV000241544.22), dbSNP rs768064297, ClinGen allele CA7963577.